The following is an entry in ClinVar:

ClinVar aggregate classification (germline): Uncertain significance (1 of 4 stars; one submission).

Conditions:
Hereditary cancer-predisposing syndrome. Also called: Neoplastic Syndromes, Hereditary; Tumor predisposition; Hereditary neoplastic syndrome; Hereditary Cancer Syndrome. Identifiers: Orphanet 140162, MedGen C0027672, MeSH D009386, MONDO:0015356.

Submission:

Ambry Genetics
Classification: Uncertain significance for Hereditary cancer-predisposing syndrome. Last evaluated: 2026-07-02. Review status: criteria provided, single submitter. Criteria: Ambry Variant Classification Scheme 2023. Collection method: clinical testing. Allele origin: germline.
Comment: The p.E317G variant (also known as c.950A>G), located in coding exon 5 of the FLCN gene, results from an A to G substitution at nucleotide position 950. The glutamic acid at codon 317 is replaced by glycine, an amino acid with similar properties. This amino acid position is conserved. In addition, this alteration is predicted to be tolerated by in silico analysis. Based on the available evidence, the clinical significance of this variant remains unclear.

NM_144997.7(FLCN):c.871+79A>G

Gene: FLCN (folliculin; minus strand). Cytogenetic location: 17p11.2.
Variant type: single nucleotide variant.
Coding change: c.871+79A>G on transcript NM_144997.7 (MANE Select); 79 bases into the intron after coding-DNA position 871, A replaced by G.
Molecular consequence: intron variant. On other transcripts: missense variant (1).
Genome position (GRCh38, 1-based): chr17:17,221,458, T>C on the plus strand (A>G on the coding strand, the complement: FLCN is on the minus strand). VCF-style: chr17-17221458-T-C. GRCh37 (hg19) VCF-style: chr17-17124772-T-C.
Other names: c.950A>G, p.Glu317Gly (NM_144606.7); c.871+79A>G (NM_001353231.2, NM_001353230.2); c.925+79A>G (NM_001353229.2); short protein forms E317G.
Identifiers: ClinVar variation 5021829 (VCV005021829.1).